The following is an entry in ClinVar:

NM_015046.7(SETX):c.3890A>G (p.Tyr1297Cys)

Gene: SETX (senataxin; minus strand). Cytogenetic location: 9q34.13.
Variant type: single nucleotide variant.
Coding change: c.3890A>G on transcript NM_015046.7 (MANE Select); coding-DNA position 3890, A replaced by G.
Protein change: p.Tyr1297Cys; replaces tyrosine 1297 with cysteine.
Molecular consequence: missense variant.
Genome position (GRCh38, 1-based): chr9:132,327,708, T>C on the plus strand (A>G on the coding strand, the complement: SETX is on the minus strand). VCF-style: chr9-132327708-T-C. GRCh37 (hg19) VCF-style: chr9-135203095-T-C.
Other names: c.3890A>G, p.Tyr1297Cys (NM_001351527.2, NM_001351528.2); short protein forms Y1297C.
Identifiers: ClinVar variation 2689953 (VCV002689953.3), dbSNP rs753285108, ClinGen allele CA375328117.

ClinVar aggregate classification (germline): Uncertain significance. Review status: criteria provided, multiple submitters, no conflicts (2 of 4 stars). 2 submissions from 2 submitters: Uncertain significance (2). Last evaluated 2025-03-11.

gnomAD v4.1: 16 of 1,614,088 alleles (0.00099%); highest among the groups gnomAD compares: South Asian, 0.012%; no homozygotes.

Submissions (2):

GeneDx
Classification: Uncertain significance. Last evaluated: 2025-03-11. Review status: criteria provided, single submitter. Criteria: GeneDx Variant Classification Process June 2021. Collection method: clinical testing. Allele origin: germline. Affected: yes.
Comment: Reported previously as a variant of uncertain significance in a patient with Alzheimer's disease (PMID: 34720994); Not observed at significant frequency in large population cohorts (gnomAD); In silico analysis supports that this missense variant has a deleterious effect on protein structure/function; This variant is associated with the following publications: (PMID: 34720994)

Revvity Omics, Revvity
Classification: Uncertain significance. Last evaluated: 2023-05-02. Review status: criteria provided, single submitter. Criteria: ACMG Guidelines, 2015. Collection method: clinical testing. Allele origin: germline.